The following is an entry in ClinVar:

NM_023936.2(MRPS34):c.321+6T>C

Genes: MRPS34 (mitochondrial ribosomal protein S34; minus strand), LOC130058183 (ATAC-STARR-seq lymphoblastoid silent region 7002; plus strand). Cytogenetic location: 16p13.3.
Variant type: single nucleotide variant.
Coding change: c.321+6T>C on transcript NM_023936.2 (MANE Select); 6 bases into the intron after coding-DNA position 321, T replaced by C.
Molecular consequence: intron variant.
Genome position (GRCh38, 1-based): chr16:1,772,793, A>G on the plus strand (T>C on the coding strand, the complement: MRPS34 is on the minus strand). VCF-style: chr16-1772793-A-G. GRCh37 (hg19) VCF-style: chr16-1822794-A-G.
Other names: c.321+6T>C (NM_001300900.2).
Identifiers: ClinVar variation 4738528 (VCV004738528.1).

ClinVar aggregate classification (germline): Uncertain significance (1 of 4 stars; one submission).

Submission:

Labcorp Genetics (formerly Invitae), Labcorp
Classification: Uncertain significance. Last evaluated: 2025-05-05. Review status: criteria provided, single submitter. Criteria: Invitae Variant Classification Sherloc (09022015). Collection method: clinical testing. Allele origin: germline.
Comment: This sequence change falls in intron 1 of the MRPS34 gene. It does not directly change the encoded amino acid sequence of the MRPS34 protein. It affects a nucleotide within the consensus splice site. This variant is present in population databases (rs560022978, gnomAD 0.02%). This variant has not been reported in the literature in individuals affected with MRPS34-related conditions. Variants that disrupt the consensus splice site are a relatively common cause of aberrant splicing (PMID: 17576681, 9536098). Algorithms developed to predict the effect of sequence changes on RNA splicing suggest that this variant is not likely to affect RNA splicing. In summary, the available evidence is currently insufficient to determine the role of this variant in disease. Therefore, it has been classified as a Variant of Uncertain Significance.

Literature cited by the submitters: PubMed 17576681; PubMed 9536098.